The following is an entry in ClinVar:

NM_001735.3(C5):c.1716+15A>G

Gene: C5 (complement C5; minus strand). Cytogenetic location: 9q33.2.
Variant type: single nucleotide variant.
Coding change: c.1716+15A>G on transcript NM_001735.3 (MANE Select); 15 bases into the intron after coding-DNA position 1716, A replaced by G.
Molecular consequence: intron variant.
Genome position (GRCh38, 1-based): chr9:121,017,628, T>C on the plus strand (A>G on the coding strand, the complement: C5 is on the minus strand). VCF-style: chr9-121017628-T-C. GRCh37 (hg19) VCF-style: chr9-123779906-T-C.
Other names: c.1734+15A>G (NM_001317163.2); c.1716+15A>G (NM_001317164.2).
Identifiers: ClinVar variation 1931877 (VCV001931877.5), dbSNP rs1406025325, ClinGen allele CA859580004.

ClinVar aggregate classification (germline): Uncertain significance (1 of 4 stars; one submission).

Allele frequency attached by ClinVar (database versions not stated): gnomAD exomes below 0.00001; gnomAD 0.00001; TOPMed 0.00001.
gnomAD v4.1: 5 of 1,611,010 alleles (0.00031%); highest among the groups gnomAD compares: African/African-American, 0.0027%; no homozygotes.

Submission:

Labcorp Genetics (formerly Invitae), Labcorp
Classification: Uncertain significance. Last evaluated: 2022-10-17. Review status: criteria provided, single submitter. Criteria: Invitae Variant Classification Sherloc (09022015). Collection method: clinical testing. Allele origin: germline.
Comment: In summary, the available evidence is currently insufficient to determine the role of this variant in disease. Therefore, it has been classified as a Variant of Uncertain Significance. Algorithms developed to predict the effect of sequence changes on RNA splicing suggest that this variant may create or strengthen a splice site. This variant has not been reported in the literature in individuals affected with C5-related conditions. This variant is not present in population databases (gnomAD no frequency). This sequence change falls in intron 13 of the C5 gene. It does not directly change the encoded amino acid sequence of the C5 protein.